The following is an entry in ClinVar:

ClinVar aggregate classification (germline): Uncertain significance (1 of 4 stars; one submission).

Submission:

Labcorp Genetics (formerly Invitae), Labcorp
Classification: Uncertain significance. Last evaluated: 2020-11-13. Review status: criteria provided, single submitter. Criteria: Invitae Variant Classification Sherloc (09022015). Collection method: clinical testing. Allele origin: germline.
Comment: In summary, the available evidence is currently insufficient to determine the role of this variant in disease. Therefore, it has been classified as a Variant of Uncertain Significance. Algorithms developed to predict the effect of missense changes on protein structure and function are either unavailable or do not agree on the potential impact of this missense change (SIFT: "Tolerated"; PolyPhen-2: "Probably Damaging"; Align-GVGD: "Class C35"). This variant has not been reported in the literature in individuals with SZT2-related conditions. This variant is not present in population databases (ExAC no frequency). This sequence change replaces alanine with glutamic acid at codon 2112 of the SZT2 protein (p.Ala2112Glu). The alanine residue is highly conserved and there is a moderate physicochemical difference between alanine and glutamic acid.

NM_001365999.1(SZT2):c.6506C>A (p.Ala2169Glu)

Gene: SZT2 (SZT2 subunit of KICSTOR complex; plus strand). Cytogenetic location: 1p34.2.
Variant type: single nucleotide variant.
Coding change: c.6506C>A on transcript NM_001365999.1 (MANE Select); coding-DNA position 6506, C replaced by A.
Protein change: p.Ala2169Glu; replaces alanine 2169 with glutamic acid.
Molecular consequence: missense variant.
Genome position (GRCh38, 1-based): chr1:43,437,900, C>A. VCF-style: chr1-43437900-C-A. GRCh37 (hg19) VCF-style: chr1-43903571-C-A.
Other names: c.6335C>A, p.Ala2112Glu (NM_015284.4); short protein forms A2169E, A2112E.
Identifiers: ClinVar variation 1470852 (VCV001470852.8), dbSNP rs2153935110, ClinGen allele CA340029967.